The following is an entry in ClinVar:

NM_000548.5(TSC2):c.718A>T (p.Ile240Phe)

Gene: TSC2 (TSC complex subunit 2; plus strand). Cytogenetic location: 16p13.3.
Variant type: single nucleotide variant.
Coding change: c.718A>T on transcript NM_000548.5 (MANE Select); coding-DNA position 718, A replaced by T.
Protein change: p.Ile240Phe; replaces isoleucine 240 with phenylalanine.
Molecular consequence: missense variant.
Genome position (GRCh38, 1-based): chr16:2,056,713, A>T. VCF-style: chr16-2056713-A-T. GRCh37 (hg19) VCF-style: chr16-2106714-A-T.
Other names: c.718A>T, p.Ile240Phe (NM_001077183.3, NM_001114382.3, NM_001363528.2 and 3 more transcripts); c.607A>T, p.Ile203Phe (NM_001318827.2); c.571A>T, p.Ile191Phe (NM_001318829.2); c.118A>T, p.Ile40Phe (NM_001318831.2); c.751A>T, p.Ile251Phe (NM_001318832.2); short protein forms I240F, I191F, I251F, I40F, I203F.
Identifiers: ClinVar variation 406122 (VCV000406122.12), dbSNP rs796053482, ClinGen allele CA16614690.

ClinVar aggregate classification (germline): Uncertain significance. Review status: criteria provided, multiple submitters, no conflicts (2 of 4 stars). 2 submissions from 2 submitters: Uncertain significance (2). Last evaluated 2025-06-24.

Conditions:
Hereditary cancer-predisposing syndrome. Also called: Tumor predisposition; Neoplastic Syndromes, Hereditary; Hereditary Cancer Syndrome; Hereditary neoplastic syndrome. Identifiers: Orphanet 140162, MedGen C0027672, MeSH D009386, MONDO:0015356.
Tuberous sclerosis 2 (TSC2). Identifiers: Orphanet 805, MedGen C1860707, MONDO:0013199, OMIM 613254.

Submissions (2):

Ambry Genetics
Classification: Uncertain significance for Hereditary cancer-predisposing syndrome. Last evaluated: 2025-06-24. Review status: criteria provided, single submitter. Criteria: Ambry Variant Classification Scheme 2023. Collection method: clinical testing. Allele origin: germline.
Comment: The p.I240F variant (also known as c.718A>T), located in coding exon 7 of the TSC2 gene, results from an A to T substitution at nucleotide position 718. The isoleucine at codon 240 is replaced by phenylalanine, an amino acid with highly similar properties. This amino acid position is well conserved in available vertebrate species. In addition, this alteration is predicted to be deleterious by in silico analysis. Since supporting evidence is limited at this time, the clinical significance of this alteration remains unclear.

Labcorp Genetics (formerly Invitae), Labcorp
Classification: Uncertain significance for Tuberous sclerosis 2. Last evaluated: 2023-12-07. Review status: criteria provided, single submitter. Criteria: Invitae Variant Classification Sherloc (09022015). Collection method: clinical testing. Allele origin: germline.
Comment: This sequence change replaces isoleucine, which is neutral and non-polar, with phenylalanine, which is neutral and non-polar, at codon 240 of the TSC2 protein (p.Ile240Phe). This variant is not present in population databases (gnomAD no frequency). This variant has not been reported in the literature in individuals affected with TSC2-related conditions. ClinVar contains an entry for this variant (Variation ID: 406122). Advanced modeling of protein sequence and biophysical properties (such as structural, functional, and spatial information, amino acid conservation, physicochemical variation, residue mobility, and thermodynamic stability) performed at Invitae indicates that this missense variant is not expected to disrupt TSC2 protein function with a negative predictive value of 95%. In summary, the available evidence is currently insufficient to determine the role of this variant in disease. Therefore, it has been classified as a Variant of Uncertain Significance.